The following is an entry in ClinVar:

ClinVar aggregate classification (germline): Uncertain significance (1 of 4 stars; one submission).

Conditions:
Autosomal dominant hypocalcemia 1 (HYPOC1). Also called: HYPOCALCEMIA, FAMILIAL. Identifiers: MedGen C3715128, MONDO:0011013, OMIM 601198.
Familial hypocalciuric hypercalcemia (FHH). Also called: Familial benign hypercalcemia. Identifiers: Orphanet 405, MedGen C1809471, MONDO:0018458.

Allele frequency attached by ClinVar (database versions not stated): gnomAD 0.00001.
gnomAD v4.1: 2 of 1,613,116 alleles (0.00012%); highest among the groups gnomAD compares: Non-Finnish European, 0.00017%; no homozygotes.

Submission:

Labcorp Genetics (formerly Invitae), Labcorp
Classification: Uncertain significance for Familial hypocalciuric hypercalcemia; Autosomal dominant hypocalcemia 1. Last evaluated: 2023-11-14. Review status: criteria provided, single submitter. Criteria: Invitae Variant Classification Sherloc (09022015). Collection method: clinical testing. Allele origin: germline.
Comment: This sequence change replaces alanine, which is neutral and non-polar, with valine, which is neutral and non-polar, at codon 850 of the CASR protein (p.Ala850Val). This variant is present in population databases (no rsID available, gnomAD 0.007%). This variant has not been reported in the literature in individuals affected with CASR-related conditions. An algorithm developed to predict the effect of missense changes on protein structure and function (PolyPhen-2) suggests that this variant is likely to be disruptive. In summary, the available evidence is currently insufficient to determine the role of this variant in disease. Therefore, it has been classified as a Variant of Uncertain Significance.

NM_000388.4(CASR):c.2549C>T (p.Ala850Val)

Gene: CASR (calcium sensing receptor; plus strand). Cytogenetic location: 3q21.1.
Variant type: single nucleotide variant.
Coding change: c.2549C>T on transcript NM_000388.4 (MANE Select); coding-DNA position 2549, C replaced by T.
Protein change: p.Ala850Val; replaces alanine 850 with valine.
Molecular consequence: missense variant.
Genome position (GRCh38, 1-based): chr3:122,284,503, C>T. VCF-style: chr3-122284503-C-T. GRCh37 (hg19) VCF-style: chr3-122003350-C-T.
Other names: c.2579C>T, p.Ala860Val (NM_001178065.2); short protein forms A850V, A860V.
Identifiers: ClinVar variation 2953623 (VCV002953623.3), dbSNP rs373819680, ClinGen allele CA354160261.